The following is an entry in ClinVar:

ClinVar aggregate classification (germline): Likely pathogenic (1 of 4 stars; one submission).

Conditions:
Mucolipidosis type II. Also called: ML II ALPHA/BETA; Mucolipidosis 2; ML 2; Inclusion cell disease; Leroy Disease; N-acetylglucosamine 1phosphotransferase deficiency. Identifiers: Orphanet 576, MedGen C2673377, MONDO:0009650, OMIM 252500.
Pseudo-Hurler polydystrophy. Also called: ML III; ML III ALPHA/BETA; Mucolipidosis III Alpha/Beta; Type III Mucolipidosis; ML IIIA; MUCOLIPIDOSIS IIIA. Identifiers: Orphanet 423461, Orphanet 577, MedGen C0033788, MONDO:0018931, OMIM 252600.

Submission:

Diagnostics Division, CENTRE FOR DNA FINGERPRINTING AND DIAGNOSTICS
Classification: Likely pathogenic for Mucolipidosis type II; Pseudo-Hurler polydystrophy. Last evaluated: 2016-01-01. Review status: criteria provided, single submitter. Criteria: ACMG Guidelines, 2015. Collection method: research. Allele origin: unknown. Affected: yes. Observed: 1 compound heterozygote.
Comment: Deletion variant

NM_024312.5(GNPTAB):c.1021_1023del (p.Pro341del)

Gene: GNPTAB (N-acetylglucosamine-1-phosphate transferase subunits alpha and beta; minus strand). Cytogenetic location: 12q23.2.
Variant type: Deletion.
Coding change: c.1021_1023del on transcript NM_024312.5 (MANE Select); coding-DNA positions 1021 to 1023, 3 bases deleted (CCA; older notation c.1021_1023delCCA).
Protein change: p.Pro341del; deletes proline 341.
Molecular consequence: inframe deletion.
Genome position (GRCh38, 1-based): chr12:101,770,496-101,770,498, TGG deleted on the plus strand (CCA on the coding strand, the reverse complement: GNPTAB is on the minus strand); deleting any 3 consecutive bases within chr12:101,770,496-101,770,500 gives the same sequence; the c. name uses the placement nearest the transcript's 3' end. VCF-style (leftmost placement, unchanged base first): chr12-101770495-ATGG-A. GRCh37 (hg19) VCF-style: chr12-102164273-ATGG-A.
Other names: short protein forms P341del.
Identifiers: ClinVar variation 397558 (VCV000397558.3), dbSNP rs1060499679, ClinGen allele CA16609433.
Genomic context (GRCh38, chr12:101,770,495, plus strand): 5'-TGTCAAGGTTCAGCCAGGATGGAATCTGCCCGTTGGTGACAATGAAAATATTCCGAACCC[ATGG>A]TGCATGCCTCTCGATAGATCGCAATGAGTACCTCAGTTCTTCGTTATCTTCAAAACGACT-3'